The following is an entry in ClinVar:

NM_004329.3(BMPR1A):c.594A>C (p.Ala198=)

Gene: BMPR1A (bone morphogenetic protein receptor type 1A; plus strand). Cytogenetic location: 10q23.2.
Variant type: single nucleotide variant.
Coding change: c.594A>C on transcript NM_004329.3 (MANE Select); coding-DNA position 594, A replaced by C.
Protein change: p.Ala198=; no amino-acid change (alanine 198 retained).
Molecular consequence: synonymous variant.
Genome position (GRCh38, 1-based): chr10:86,912,303, A>C. VCF-style: chr10-86912303-A-C. GRCh37 (hg19) VCF-style: chr10-88672060-A-C.
Identifiers: ClinVar variation 381770 (VCV000381770.1), dbSNP rs369860867, ClinGen allele CA16605709.

ClinVar aggregate classification (germline): Likely benign (1 of 4 stars; one submission).

Submission:

GeneDx
Classification: Likely benign. Last evaluated: 2015-11-19. Review status: criteria provided, single submitter. Criteria: GeneDx Variant Classification (06012015). Collection method: clinical testing. Allele origin: germline. Affected: yes.
Comment: This variant is considered likely benign or benign based on one or more of the following criteria: it is a conservative change, it occurs at a poorly conserved position in the protein, it is predicted to be benign by multiple in silico algorithms, and/or has population frequency not consistent with disease.